The following is an entry in ClinVar:

NM_001127198.5(TMC6):c.275G>A (p.Arg92His)

Gene: TMC6 (transmembrane channel like 6; minus strand). Cytogenetic location: 17q25.3.
Variant type: single nucleotide variant.
Coding change: c.275G>A on transcript NM_001127198.5 (MANE Select); coding-DNA position 275, G replaced by A.
Protein change: p.Arg92His; replaces arginine 92 with histidine.
Molecular consequence: missense variant. On other transcripts: non-coding transcript variant (4).
Genome position (GRCh38, 1-based): chr17:78,125,881, C>T on the plus strand (G>A on the coding strand, the complement: TMC6 is on the minus strand). VCF-style: chr17-78125881-C-T. GRCh37 (hg19) VCF-style: chr17-76121962-C-T.
Other names: c.275G>A, p.Arg92His (NM_001321185.1, NM_001374593.1, NM_001374594.1 and 4 more transcripts); short protein forms R92H.
Identifiers: ClinVar variation 1519962 (VCV001519962.6), dbSNP rs1173031048, ClinGen allele CA401235636.

ClinVar aggregate classification (germline): Uncertain significance (1 of 4 stars; one submission).

Conditions:
Epidermodysplasia verruciformis. Identifiers: Orphanet 302, MedGen C0014522, MONDO:0009176.

Allele frequency attached by ClinVar (database versions not stated): gnomAD exomes 0.00001.

Submission:

Labcorp Genetics (formerly Invitae), Labcorp
Classification: Uncertain significance for Epidermodysplasia verruciformis. Last evaluated: 2021-02-18. Review status: criteria provided, single submitter. Criteria: Invitae Variant Classification Sherloc (09022015). Collection method: clinical testing. Allele origin: germline.
Comment: In summary, the available evidence is currently insufficient to determine the role of this variant in disease. Therefore, it has been classified as a Variant of Uncertain Significance. Algorithms developed to predict the effect of missense changes on protein structure and function are either unavailable or do not agree on the potential impact of this missense change (SIFT: "Not Available"; PolyPhen-2: "Benign"; Align-GVGD: "Not Available"). This variant has not been reported in the literature in individuals with TMC6-related conditions. This variant is not present in population databases (ExAC no frequency). This sequence change replaces arginine with histidine at codon 92 of the TMC6 protein (p.Arg92His). The arginine residue is weakly conserved and there is a small physicochemical difference between arginine and histidine.